The following is an entry in ClinVar:

NM_182961.4(SYNE1):c.10443+5G>A

Gene: SYNE1 (spectrin repeat containing nuclear envelope protein 1; minus strand). Cytogenetic location: 6q25.2.
Variant type: single nucleotide variant.
Coding change: c.10443+5G>A on transcript NM_182961.4 (MANE Select); 5 bases into the intron after coding-DNA position 10443, G replaced by A.
Molecular consequence: intron variant.
Genome position (GRCh38, 1-based): chr6:152,359,310, C>T on the plus strand (G>A on the coding strand, the complement: SYNE1 is on the minus strand). VCF-style: chr6-152359310-C-T. GRCh37 (hg19) VCF-style: chr6-152680445-C-T.
Other names: c.10464+5G>A (NM_033071.5).
Identifiers: ClinVar variation 509531 (VCV000509531.31), dbSNP rs557835636, ClinGen allele CA4056962.
Genomic context (GRCh38, chr6:152,359,310, plus strand): 5'-TTAAAGGAGCACAGCTCCAAACACTCCCCTTTTGGTGAGTCTACAAGGAAAGTGCTTTGC[C>T]GTACCTTGGCCCTCTCTTGGATGGCTCTGTATCGTTCCTGTAGATCCTGGAGTTCTAGCT-3'

ClinVar aggregate classification (germline): Conflicting classifications of pathogenicity. Review status: criteria provided, conflicting classifications (1 of 4 stars). 4 submissions from 4 submitters: Uncertain significance (3); Likely benign (1). Last evaluated 2025-01-20.

Conditions:
Autosomal recessive ataxia, Beauce type. Also called: SYNE1-Related Autosomal Recessive Cerebellar Ataxia; SYNE1 Deficiency; Spinocerebellar ataxia, autosomal recessive 8; ATAXIA, RECESSIVE, OF BEAUCE. Identifiers: Orphanet 88644, MedGen C1853116, MONDO:0012549, OMIM 610743.
Emery-Dreifuss muscular dystrophy 4, autosomal dominant (EDMD4). Also called: EMERY-DREIFUSS MUSCULAR DYSTROPHY 4 WITH VARIABLE FEATURES. Identifiers: Orphanet 261, MedGen C2751807, MONDO:0013071, OMIM 612998.

Allele frequency attached by ClinVar (database versions not stated): gnomAD exomes 0.00004; ExAC 0.00005; gnomAD 0.00005 and 0.00007; TOPMed 0.00005; 1000 Genomes Project 30x 0.00016; 1000 Genomes Project 0.00020.
gnomAD v4.1: 55 of 1,613,722 alleles (0.0034%); highest among the groups gnomAD compares: Middle Eastern, 0.035%; no homozygotes.

Submissions (4):

Labcorp Genetics (formerly Invitae), Labcorp
Classification: Uncertain significance for Emery-Dreifuss muscular dystrophy 4, autosomal dominant; Autosomal recessive ataxia, Beauce type. Last evaluated: 2025-01-20. Review status: criteria provided, single submitter. Criteria: Invitae Variant Classification Sherloc (09022015). Collection method: clinical testing. Allele origin: germline.
Comment: This sequence change falls in intron 65 of the SYNE1 gene. It does not directly change the encoded amino acid sequence of the SYNE1 protein. It affects a nucleotide within the consensus splice site. This variant is present in population databases (rs557835636, gnomAD 0.01%). This variant has not been reported in the literature in individuals affected with SYNE1-related conditions. ClinVar contains an entry for this variant (Variation ID: 509531). Variants that disrupt the consensus splice site are a relatively common cause of aberrant splicing (PMID: 17576681, 9536098). Algorithms developed to predict the effect of sequence changes on RNA splicing suggest that this variant is not likely to affect RNA splicing. In summary, the available evidence is currently insufficient to determine the role of this variant in disease. Therefore, it has been classified as a Variant of Uncertain Significance.

Blueprint Genetics
Classification: Uncertain significance. Last evaluated: 2024-07-09. Review status: criteria provided, single submitter. Criteria: ACMG Guidelines, 2015. Collection method: clinical testing. Allele origin: germline.

CeGaT Center for Human Genetics Tuebingen
Classification: Uncertain significance. Last evaluated: 2023-08-01. Review status: criteria provided, single submitter. Criteria: CeGaT Center For Human Genetics Tuebingen Variant Classification Criteria Version 2. Collection method: clinical testing. Allele origin: germline. Affected: yes. Observed: 2 variant alleles.
Comment: SYNE1: PM2, BP4

GeneDx
Classification: Likely benign. Last evaluated: 2017-11-13. Review status: criteria provided, single submitter. Criteria: GeneDx Variant Classification (06012015). Collection method: clinical testing. Allele origin: germline. Affected: yes.
Comment: This variant is considered likely benign or benign based on one or more of the following criteria: it is a conservative change, it occurs at a poorly conserved position in the protein, it is predicted to be benign by multiple in silico algorithms, and/or has population frequency not consistent with disease.

Literature cited by the submitters: PubMed 17576681 (cited by Labcorp Genetics (formerly Invitae), Labcorp); PubMed 9536098 (cited by Labcorp Genetics (formerly Invitae), Labcorp).